The following is an entry in ClinVar:

ClinVar aggregate classification (germline): Uncertain significance (1 of 4 stars; one submission).

Conditions:
Familial infantile myasthenia (CMS6). Also called: MYASTHENIC SYNDROME, CONGENITAL, 6, PRESYNAPTIC; MYASTHENIC SYNDROME, PRESYNAPTIC, CONGENITAL, ASSOCIATED WITH EPISODIC APNEA; Congenital myasthenic syndrome type 6. Identifiers: Orphanet 590, MedGen C0393929, MONDO:0009689, OMIM 254210.

Allele frequency attached by ClinVar (database versions not stated): gnomAD exomes below 0.00001; ExAC 0.00001; TOPMed 0.00001.
gnomAD v4.1: 8 of 1,614,190 alleles (0.0005%); highest among the groups gnomAD compares: Admixed American, 0.012%; no homozygotes.

Submission:

Labcorp Genetics (formerly Invitae), Labcorp
Classification: Uncertain significance for Familial infantile myasthenia. Last evaluated: 2026-01-19. Review status: criteria provided, single submitter. Criteria: Invitae Variant Classification Sherloc (09022015). Collection method: clinical testing. Allele origin: germline.
Comment: This sequence change replaces glutamic acid, which is acidic and polar, with aspartic acid, which is acidic and polar, at codon 645 of the CHAT protein (p.Glu645Asp). This variant is present in population databases (rs775011277, gnomAD 0.01%). This variant has not been reported in the literature in individuals affected with CHAT-related conditions. ClinVar contains an entry for this variant (Variation ID: 641659). Invitae Evidence Modeling of protein sequence and biophysical properties (such as structural, functional, and spatial information, amino acid conservation, physicochemical variation, residue mobility, and thermodynamic stability) indicates that this missense variant is not expected to disrupt CHAT protein function with a negative predictive value of 95%. In summary, the available evidence is currently insufficient to determine the role of this variant in disease. Therefore, it has been classified as a Variant of Uncertain Significance.

NM_020549.5(CHAT):c.1935A>C (p.Glu645Asp)

Gene: CHAT (choline O-acetyltransferase; plus strand). Cytogenetic location: 10q11.23.
Variant type: single nucleotide variant.
Coding change: c.1935A>C on transcript NM_020549.5 (MANE Select); coding-DNA position 1935, A replaced by C.
Protein change: p.Glu645Asp; replaces glutamic acid 645 with aspartic acid.
Molecular consequence: missense variant.
Genome position (GRCh38, 1-based): chr10:49,662,740, A>C. VCF-style: chr10-49662740-A-C. GRCh37 (hg19) VCF-style: chr10-50870786-A-C.
Other names: c.1581A>C, p.Glu527Asp (NM_001142929.2, NM_001142934.2, NM_020984.4 and 2 more transcripts); c.1689A>C, p.Glu563Asp (NM_001142933.2); short protein forms E645D, E527D, E563D.
Identifiers: ClinVar variation 641659 (VCV000641659.9), dbSNP rs775011277, ClinGen allele CA5497675.